The following is an entry in ClinVar:

ClinVar aggregate classification (germline): Uncertain significance (1 of 4 stars; one submission).

Conditions:
Inborn genetic diseases. Identifiers: MedGen C0950123, MeSH D030342.

Submission:

Ambry Genetics
Classification: Uncertain significance for Inborn genetic diseases. Last evaluated: 2024-12-23. Review status: criteria provided, single submitter. Criteria: Ambry Variant Classification Scheme 2023. Collection method: clinical testing. Allele origin: germline.
Comment: The c.5320-14T>A intronic variant results from a T to A substitution 14 nucleotides before coding exon 23 in the KMT2D gene. This variant was not reported in population-based cohorts in the Genome Aggregation Database (gnomAD). This nucleotide position is highly conserved in available vertebrate species. In silico splice site analysis predicts that this alteration will weaken the native splice acceptor site and will result in the creation or strengthening of a novel splice acceptor site. Based on insufficient or conflicting evidence, the clinical significance of this alteration remains unclear.

NM_003482.4(KMT2D):c.5320-14T>A

Gene: KMT2D (lysine methyltransferase 2D; minus strand). Cytogenetic location: 12q13.12.
Variant type: single nucleotide variant.
Coding change: c.5320-14T>A on transcript NM_003482.4 (MANE Select); 14 bases into the intron before coding-DNA position 5320, T replaced by A.
Molecular consequence: intron variant.
Genome position (GRCh38, 1-based): chr12:49,043,796, A>T on the plus strand (T>A on the coding strand, the complement: KMT2D is on the minus strand). VCF-style: chr12-49043796-A-T. GRCh37 (hg19) VCF-style: chr12-49437579-A-T.
Identifiers: ClinVar variation 3865134 (VCV003865134.1).